The following is an entry in ClinVar:

ClinVar aggregate classification (germline): Uncertain significance. Review status: criteria provided, multiple submitters, no conflicts (2 of 4 stars). 3 submissions from 3 submitters: Uncertain significance (3). Last evaluated 2024-10-23.

Conditions:
Familial cancer of breast. Also called: Hereditary breast cancer; BREAST CANCER, FAMILIAL; hereditary breast carcinoma. Identifiers: Orphanet 227535, MedGen C0346153, MONDO:0016419, OMIM 114480. Disease mechanism: loss of function.
Hereditary cancer-predisposing syndrome. Also called: Tumor predisposition; Neoplastic Syndromes, Hereditary; Hereditary Cancer Syndrome; Hereditary neoplastic syndrome. Identifiers: Orphanet 140162, MedGen C0027672, MeSH D009386, MONDO:0015356.
Ataxia-telangiectasia syndrome (AT). Also called: ATAXIA-TELANGIECTASIA, COMPLEMENTATION GROUP A; ATAXIA-TELANGIECTASIA, FRESNO VARIANT; Ataxia-telangiectasia; Ataxia-telangiectasia, complementation group D; AT, COMPLEMENTATION GROUP C; Ataxia-telangiectasia, complementation group E. Identifiers: Orphanet 100, MedGen C0004135, MONDO:0008840, OMIM 208900.

Allele frequency attached by ClinVar (database versions not stated): TOPMed 0.00001.

Submissions (3):

Labcorp Genetics (formerly Invitae), Labcorp
Classification: Uncertain significance for Ataxia-telangiectasia syndrome. Last evaluated: 2024-10-23. Review status: criteria provided, single submitter. Criteria: Invitae Variant Classification Sherloc (09022015). Collection method: clinical testing. Allele origin: germline.
Comment: This sequence change replaces valine, which is neutral and non-polar, with phenylalanine, which is neutral and non-polar, at codon 2620 of the ATM protein (p.Val2620Phe). This variant is not present in population databases (gnomAD no frequency). This variant has not been reported in the literature in individuals affected with ATM-related conditions. ClinVar contains an entry for this variant (Variation ID: 827291). Invitae Evidence Modeling of protein sequence and biophysical properties (such as structural, functional, and spatial information, amino acid conservation, physicochemical variation, residue mobility, and thermodynamic stability) indicates that this missense variant is not expected to disrupt ATM protein function with a negative predictive value of 95%. In summary, the available evidence is currently insufficient to determine the role of this variant in disease. Therefore, it has been classified as a Variant of Uncertain Significance.

Ambry Genetics
Classification: Uncertain significance for Hereditary cancer-predisposing syndrome. Last evaluated: 2024-05-22. Review status: criteria provided, single submitter. Criteria: Ambry Variant Classification Scheme 2023. Collection method: clinical testing. Allele origin: germline.
Comment: The p.V2620F variant (also known as c.7858G>T), located in coding exon 52 of the ATM gene, results from a G to T substitution at nucleotide position 7858. The valine at codon 2620 is replaced by phenylalanine, an amino acid with highly similar properties. This amino acid position is not well conserved in available vertebrate species. In addition, the in silico prediction for this alteration is inconclusive. Since supporting evidence is limited at this time, the clinical significance of this alteration remains unclear.

Baylor Genetics
Classification: Uncertain significance for Familial cancer of breast. Last evaluated: 2023-11-19. Review status: criteria provided, single submitter. Criteria: ACMG Guidelines, 2015. Collection method: clinical testing. Allele origin: unknown.

NM_000051.4(ATM):c.7858G>T (p.Val2620Phe)

Genes: ATM (ATM serine/threonine kinase; plus strand), C11orf65 (chromosome 11 open reading frame 65; minus strand). Cytogenetic location: 11q22.3.
Variant type: single nucleotide variant.
Coding change: c.7858G>T on transcript NM_000051.4 (MANE Select); coding-DNA position 7858, G replaced by T.
Protein change: p.Val2620Phe; replaces valine 2620 with phenylalanine.
Molecular consequence: missense variant. On other transcripts: intron variant (2).
Genome position (GRCh38, 1-based): chr11:108,332,831, G>T. VCF-style: chr11-108332831-G-T. GRCh37 (hg19) VCF-style: chr11-108203558-G-T.
Other names: c.7858G>T, p.Val2620Phe (NM_001351834.2); c.641-23760C>A (NM_001330368.2); c.*38+2389C>A (NM_001351110.2); short protein forms V2620F.
Identifiers: ClinVar variation 827291 (VCV000827291.16), dbSNP rs1427723678, ClinGen allele CA382561385.
Genomic context (GRCh38, chr11:108,332,831, plus strand): 5'-GAGGCTGCAAATAGAATAATATGTACTATCAGAAGTAGGAGACCTCAGATGGTCAGAAGT[G>T]TTGAGGCACTTTGTGATGCTTATATTATATTAGCAAACTTAGATGCCACTCAGTGGAAGA-3'
Protein context (NP_000042.3, residues 2610-2630): RSRRPQMVRS[Val2620Phe]EALCDAYIIL